The following is an entry in ClinVar:

ClinVar aggregate classification (germline): Uncertain significance (1 of 4 stars; one submission).

Conditions:
Hereditary cancer-predisposing syndrome. Also called: Neoplastic Syndromes, Hereditary; Tumor predisposition; Hereditary neoplastic syndrome; Hereditary Cancer Syndrome. Identifiers: Orphanet 140162, MedGen C0027672, MeSH D009386, MONDO:0015356.

Submission:

Ambry Genetics
Classification: Uncertain significance for Hereditary cancer-predisposing syndrome. Last evaluated: 2026-07-17. Review status: criteria provided, single submitter. Criteria: Ambry Variant Classification Scheme 2023. Collection method: clinical testing. Allele origin: germline.
Comment: The c.2894_2895delGAinsAC variant (also known as p.R965N), located in coding exon 18 of the BRIP1 gene, results from an in-frame deletion of GA and insertion of AC at nucleotide positions 2894 to 2895. This results in the substitution of the arginine residue for an asparagine residue at codon 965, an amino acid with similar properties. This amino acid position is not well conserved in available vertebrate species. In addition, this variant is predicted to be neutral by in silico analysis (Choi Y et al. PLoS ONE. 2012; 7(10):e46688). Based on the available evidence, the clinical significance of this variant remains unclear.

NM_032043.3(BRIP1):c.2894_2895delinsAC (p.Arg965Asn)

Gene: BRIP1 (BRCA1 interacting DNA helicase 1; minus strand). Cytogenetic location: 17q23.2.
Variant type: Indel.
Coding change: c.2894_2895delinsAC on transcript NM_032043.3 (MANE Select); coding-DNA positions 2894 to 2895, GA replaced by AC.
Protein change: p.Arg965Asn; replaces arginine 965 with asparagine.
Molecular consequence: missense variant.
Genome position (GRCh38, 1-based): chr17:61,685,846-61,685,847, TC replaced by GT on the plus strand (GA replaced by AC on the coding strand, the reverse complement: BRIP1 is on the minus strand). VCF-style: chr17-61685846-TC-GT. GRCh37 (hg19) VCF-style: chr17-59763207-TC-GT.
Other names: short protein forms R965N.
Identifiers: ClinVar variation 5033429 (VCV005033429.1).